The following is an entry in ClinVar:

ClinVar aggregate classification (germline): Pathogenic (1 of 4 stars; one submission).

Submission:

Labcorp Genetics (formerly Invitae), Labcorp
Classification: Pathogenic. Last evaluated: 2022-07-31. Review status: criteria provided, single submitter. Criteria: Invitae Variant Classification Sherloc (09022015). Collection method: clinical testing. Allele origin: germline.
Comment: This sequence change creates a premature translational stop signal (p.Val127Aspfs*10) in the NTHL1 gene. It is expected to result in an absent or disrupted protein product. Loss-of-function variants in NTHL1 are known to be pathogenic (PMID: 25938944, 26559593). This variant is not present in population databases (gnomAD no frequency). This variant has not been reported in the literature in individuals affected with NTHL1-related conditions. For these reasons, this variant has been classified as Pathogenic.

Literature cited by the submitters: PubMed 25938944; PubMed 26559593.

NM_002528.7(NTHL1):c.356del (p.Val119fs)

Gene: NTHL1 (nth like DNA glycosylase 1; minus strand). Cytogenetic location: 16p13.3.
Variant type: Deletion.
Coding change: c.356del on transcript NM_002528.7 (MANE Select); coding-DNA position 356, one base deleted (T; older notation c.356delT).
Protein change: p.Val119fs; shifts the reading frame from valine 119.
Molecular consequence: frameshift variant. On other transcripts: intron variant (1).
Genome position (GRCh38, 1-based): chr16:2,044,799, A deleted on the plus strand (T on the coding strand, the reverse complement: NTHL1 is on the minus strand). VCF-style (leftmost placement, unchanged base first): chr16-2044798-TA-T. GRCh37 (hg19) VCF-style: chr16-2094799-TA-T.
Other names: c.26del, p.Val9fs (NM_001318194.2); c.355-1073del (NM_001318193.2); short protein forms V9fs, V119fs.
Identifiers: ClinVar variation 2020818 (VCV002020818.4), dbSNP rs2548316461, ClinGen allele CA2580090617.